The following is an entry in ClinVar:

NM_004655.4(AXIN2):c.1373G>T (p.Gly458Val)

Gene: AXIN2 (axin 2; minus strand). Cytogenetic location: 17q24.1.
Variant type: single nucleotide variant.
Coding change: c.1373G>T on transcript NM_004655.4 (MANE Select); coding-DNA position 1373, G replaced by T.
Protein change: p.Gly458Val; replaces glycine 458 with valine.
Molecular consequence: missense variant.
Genome position (GRCh38, 1-based): chr17:65,537,663, C>A on the plus strand (G>T on the coding strand, the complement: AXIN2 is on the minus strand). VCF-style: chr17-65537663-C-A. GRCh37 (hg19) VCF-style: chr17-63533781-C-A.
Other names: c.1373G>T, p.Gly458Val (NM_001363813.1); short protein forms G458V.
Identifiers: ClinVar variation 5032582 (VCV005032582.1).
Genomic context (GRCh38, chr17:65,537,663, plus strand): 5'-TGGTACTGCGAATGGTGGTGGTGGTGGTGGTCCGGGGAGCGGGAGCGGGGGCTATAGCGG[C>A]CTACGCCTGGAGACTGGCAGCCAGGGGTCTTGAGGACCCTGGACAGGTGATCGTCCAGTA-3'
Protein context (NP_004646.3, residues 448-468): KTPGCQSPGV[Gly458Val]RYSPRSRSPD

ClinVar aggregate classification (germline): Uncertain significance (1 of 4 stars; one submission).

Conditions:
Hereditary cancer-predisposing syndrome. Also called: Neoplastic Syndromes, Hereditary; Tumor predisposition; Hereditary neoplastic syndrome; Hereditary Cancer Syndrome. Identifiers: Orphanet 140162, MedGen C0027672, MeSH D009386, MONDO:0015356.

Submission:

Ambry Genetics
Classification: Uncertain significance for Hereditary cancer-predisposing syndrome. Last evaluated: 2026-07-06. Review status: criteria provided, single submitter. Criteria: Ambry Variant Classification Scheme 2023. Collection method: clinical testing. Allele origin: germline.
Comment: The p.G458V variant (also known as c.1373G>T), located in coding exon 5 of the AXIN2 gene, results from a G to T substitution at nucleotide position 1373. The glycine at codon 458 is replaced by valine, an amino acid with dissimilar properties. This amino acid position is conserved. In addition, the in silico prediction for this alteration is inconclusive. Based on the available evidence, the clinical significance of this variant remains unclear.